The following is an entry in ClinVar:

NM_032977.4(CASP10):c.920C>A (p.Ala307Asp)

Gene: CASP10 (caspase 10; plus strand). Cytogenetic location: 2q33.1.
Variant type: single nucleotide variant.
Coding change: c.920C>A on transcript NM_032977.4 (MANE Select); coding-DNA position 920, C replaced by A.
Protein change: p.Ala307Asp; replaces alanine 307 with aspartic acid.
Molecular consequence: missense variant. On other transcripts: 3 prime UTR variant (1), intron variant (1).
Genome position (GRCh38, 1-based): chr2:201,208,181, C>A. VCF-style: chr2-201208181-C-A. GRCh37 (hg19) VCF-style: chr2-202072904-C-A.
Other names: c.791C>A, p.Ala264Asp (NM_001206542.2, NM_001230.5); c.920C>A, p.Ala307Asp (NM_032974.5); c.*6C>A (NM_032976.4); c.722-889C>A (NM_001206524.2); short protein forms A307D, A264D.
Identifiers: ClinVar variation 535757 (VCV000535757.13), dbSNP rs1291372845, ClinGen allele CA350287126.

ClinVar aggregate classification (germline): Uncertain significance (1 of 4 stars; one submission).

Conditions:
Autoimmune lymphoproliferative syndrome type 2A (ALPS2A). Also called: CASP10-Related Autoimmune Lymphoproliferative Syndrome; AUTOIMMUNE LYMPHOPROLIFERATIVE SYNDROME, TYPE IIA; Autoimmune lymphoproliferative syndrome type 2. Identifiers: Orphanet 3261, MedGen C1858968, MONDO:0011383, OMIM 603909.

Submission:

Labcorp Genetics (formerly Invitae), Labcorp
Classification: Uncertain significance for Autoimmune lymphoproliferative syndrome type 2A. Last evaluated: 2019-05-04. Review status: criteria provided, single submitter. Criteria: Invitae Variant Classification Sherloc (09022015). Collection method: clinical testing. Allele origin: germline.
Comment: This sequence change replaces alanine with aspartic acid at codon 307 of the CASP10 protein (p.Ala307Asp). The alanine residue is moderately conserved and there is a moderate physicochemical difference between alanine and aspartic acid. This variant is not present in population databases (ExAC no frequency). This variant has not been reported in the literature in individuals with CASP10-related disease. Algorithms developed to predict the effect of missense changes on protein structure and function do not agree on the potential impact of this missense change (SIFT: "Tolerated"; PolyPhen-2: "Possibly Damaging"; Align-GVGD: "Class C0"). In summary, the available evidence is currently insufficient to determine the role of this variant in disease. Therefore, it has been classified as a Variant of Uncertain Significance.